The following is an entry in ClinVar:

NM_001492.6(GDF1):c.787_814del (p.Pro263fs)

Genes: CERS1 (ceramide synthase 1; minus strand), GDF1 (growth differentiation factor 1; minus strand). Cytogenetic location: 19p13.11.
Variant type: Deletion.
Coding change: c.787_814del on transcript NM_001492.6 (MANE Select); coding-DNA positions 787 to 814, 28 bases deleted (CCCGGGGGCGCTTGTCGCGCGCGGCGGC).
Protein change: p.Pro263fs; shifts the reading frame from proline 263.
Molecular consequence: frameshift variant. On other transcripts: 3 prime UTR variant (2).
Genome position (GRCh38, 1-based): chr19:18,868,902-18,868,929, GCCGCCGCGCGCGACAAGCGCCCCCGGG deleted on the plus strand (CCCGGGGGCGCTTGTCGCGCGCGGCGGC on the coding strand, the reverse complement: GDF1 is on the minus strand); deleting any 28 consecutive bases within chr19:18,868,902-18,868,937 gives the same sequence; the c. name uses the placement nearest the transcript's 3' end. VCF-style (leftmost placement, unchanged base first): chr19-18868901-AGCCGCCGCGCGCGACAAGCGCCCCCGGG-A. GRCh37 (hg19) VCF-style: chr19-18979710-AGCCGCCGCGCGCGACAAGCGCCCCCGGG-A.
Other names: c.787_814del28 (NM_001492.4); c.*1648_*1675del (NM_001387440.1); c.*1056_*1083del (NM_021267.5); c.787_814del, p.Pro263fs (NM_001387438.1); c.787_814del (NM_001492.4); short protein forms P263fs.
Identifiers: ClinVar variation 985271 (VCV000985271.5), dbSNP rs1417119878, ClinGen allele CA632627030.

ClinVar aggregate classification (germline): Conflicting classifications of pathogenicity. Review status: criteria provided, conflicting classifications (1 of 4 stars). 2 submissions from 2 submitters: Likely pathogenic (1); Uncertain significance (1). Last evaluated 2025-02-27.

Conditions:
Inborn genetic diseases. Identifiers: MedGen C0950123, MeSH D030342.

Submissions (2):

GeneDx
Classification: Uncertain significance. Last evaluated: 2025-02-27. Review status: criteria provided, single submitter. Criteria: GeneDx Variant Classification Process June 2021. Collection method: clinical testing. Allele origin: germline. Affected: yes.
Comment: Frameshift variant predicted to result in abnormal protein length as the last 110 amino acid(s) are replaced with 2 different amino acid(s), and other similar variants have been reported in HGMD; Has not been previously published as pathogenic or benign to our knowledge

Ambry Genetics
Classification: Likely pathogenic for Inborn genetic diseases. Last evaluated: 2019-12-19. Review status: criteria provided, single submitter. Criteria: Ambry General Variant Classification Scheme_2022. Collection method: clinical testing. Allele origin: germline. Observed: 1 variant allele.
Comment: The alteration results in a premature stop codon: The c.787_814del28 (p.P263Cfs*3) alteration, located in exon 8 (coding exon 2) of the GDF1 gene, consists of a deletion of 28 nucleotides from position 787 to 814, causing a translational frameshift with a predicted alternate stop codon after 3 amino acids. Frameshifts are typically deleterious in nature; however, this frameshift occurs at the 3' terminus of GDF1, is not expected to trigger nonsense-mediated mRNA decay, and a truncated mutant protein could still be expressed (Maquat, 2004). This alteration impacts the last 110 amino acids (approximately 30%) of the protein and the exact functional impact of these altered amino acids is unknown at this time; however, the truncated region contains a functionally important protein domain (see below). The alteration is rare in population databases: Based on data from the Genome Aggregation Database (gnomAD), the c.787_814del28 alteration was observed in 0.0076% (2/26192) of total alleles studied, with a frequency of 0.015% (2/13690) in the European (non-Finnish) subpopulation. The deleted region includes a structurally important protein domain: The p.P263Cfs*3 frameshift alteration deletes a cystine that forms a disulfide bond involved in the cystine-knot conformation of the protein (Karkera, 2007). Based on the available evidence, this alteration is classified as likely pathogenic.

Literature cited by the submitters: PubMed 17924340 (cited by Ambry Genetics).